The following is an entry in ClinVar:

NM_002470.4(MYH3):c.5563-1G>C

Gene: MYH3 (myosin heavy chain 3; minus strand). Cytogenetic location: 17p13.1.
Variant type: single nucleotide variant.
Coding change: c.5563-1G>C on transcript NM_002470.4 (MANE Select); the canonical splice acceptor site of the intron before coding-DNA position 5563, G replaced by C.
Molecular consequence: splice acceptor variant.
Genome position (GRCh38, 1-based): chr17:10,629,938, C>G on the plus strand (G>C on the coding strand, the complement: MYH3 is on the minus strand). VCF-style: chr17-10629938-C-G. GRCh37 (hg19) VCF-style: chr17-10533255-C-G.
Identifiers: ClinVar variation 1324755 (VCV001324755.9), dbSNP rs1404426202, ClinGen allele CA398130502.
Genomic context (GRCh38, chr17:10,629,938, plus strand): 5'-CACTTGCAGTTTATCCACCAGATCCTGCAATCTCAGCACATTCTTCCTGTCCTCTTCACT[C>G]TAAGAATGAGAAAGTGGGAATGTCACTGGAGAGGAGGGGGCAGATTTGCACACGGCATGG-3'

ClinVar aggregate classification (germline): Likely pathogenic. Review status: criteria provided, multiple submitters, no conflicts (2 of 4 stars). 3 submissions from 3 submitters: Likely pathogenic (3). Last evaluated 2025-04-20.

Allele frequency attached by ClinVar (database versions not stated): gnomAD exomes below 0.00001; gnomAD 0.00001; TOPMed 0.00001.
gnomAD v4.1: 2 of 1,614,008 alleles (0.00012%); highest among the groups gnomAD compares: Admixed American, 0.0017%; no homozygotes.

Submissions (3):

Labcorp Genetics (formerly Invitae), Labcorp
Classification: Likely pathogenic. Last evaluated: 2025-04-20. Review status: criteria provided, single submitter. Criteria: Invitae Variant Classification Sherloc (09022015). Collection method: clinical testing. Allele origin: germline.
Comment: This sequence change affects an acceptor splice site in intron 38 of the MYH3 gene. It is expected to disrupt RNA splicing. Variants that disrupt the donor or acceptor splice site typically lead to a loss of protein function (PMID: 16199547), and loss-of-function variants in MYH3 are known to be pathogenic (PMID: 29805041, 30008475). This variant is not present in population databases (gnomAD no frequency). This variant has not been reported in the literature in individuals affected with MYH3-related conditions. ClinVar contains an entry for this variant (Variation ID: 1324755). Algorithms developed to predict the effect of sequence changes on RNA splicing suggest that this variant may disrupt the consensus splice site. In summary, the currently available evidence indicates that the variant is pathogenic, but additional data are needed to prove that conclusively. Therefore, this variant has been classified as Likely Pathogenic.

AiLife Diagnostics
Classification: Likely pathogenic. Last evaluated: 2021-06-29. Review status: criteria provided, single submitter. Criteria: ACMG Guidelines, 2015. Collection method: clinical testing. Allele origin: germline. Affected: yes. Observed: 1 variant allele.

Revvity Omics, Revvity
Classification: Likely pathogenic. Last evaluated: 2019-05-10. Review status: criteria provided, single submitter. Criteria: ACMG Guidelines, 2015. Collection method: clinical testing. Allele origin: germline.

Literature cited by the submitters: PubMed 16199547 (cited by Labcorp Genetics (formerly Invitae), Labcorp); PubMed 29805041 (cited by Labcorp Genetics (formerly Invitae), Labcorp); PubMed 30008475 (cited by Labcorp Genetics (formerly Invitae), Labcorp).